The following is an entry in ClinVar:

ClinVar aggregate classification (germline): Uncertain significance. Review status: criteria provided, multiple submitters, no conflicts (2 of 4 stars). 2 submissions from 2 submitters: Uncertain significance (2). Last evaluated 2024-03-19.

Conditions:
Autosomal dominant hypocalcemia 1 (HYPOC1). Also called: HYPOCALCEMIA, FAMILIAL. Identifiers: MedGen C3715128, MONDO:0011013, OMIM 601198.
Familial hypocalciuric hypercalcemia (FHH). Also called: Familial benign hypercalcemia. Identifiers: Orphanet 405, MedGen C1809471, MONDO:0018458.
Nephrolithiasis/nephrocalcinosis. Identifiers: MedGen CN580796.

gnomAD v4.1: 1 of 1,614,206 alleles (0.000062%); highest among the groups gnomAD compares: African/African-American, 0.0013%; no homozygotes.

Submissions (2):

Ambry Genetics
Classification: Uncertain significance for Nephrolithiasis/nephrocalcinosis. Last evaluated: 2024-03-19. Review status: criteria provided, single submitter. Criteria: Ambry Variant Classification Scheme 2023. Collection method: clinical testing. Allele origin: germline.
Comment: The p.Q309P variant (also known as c.926A>C), located in coding exon 3 of the CASR gene, results from an A to C substitution at nucleotide position 926. The glutamine at codon 309 is replaced by proline, an amino acid with similar properties. This amino acid position is poorly conserved in available vertebrate species. In addition, the in silico prediction for this alteration is inconclusive. In addition, the evidence for the gene-disease relationship is limited for pancreatitis and cancer predisposition; therefore, the clinical significance of this variant for CASR-related pancreatitis and cancer predisposition is unclear. Based on the available evidence, the clinical significance of this alteration remains unclear.

Labcorp Genetics (formerly Invitae), Labcorp
Classification: Uncertain significance for Familial hypocalciuric hypercalcemia; Autosomal dominant hypocalcemia 1. Last evaluated: 2021-11-05. Review status: criteria provided, single submitter. Criteria: Invitae Variant Classification Sherloc (09022015). Collection method: clinical testing. Allele origin: germline.
Comment: This sequence change replaces glutamine, which is neutral and polar, with proline, which is neutral and non-polar, at codon 309 of the CASR protein (p.Gln309Pro). This variant is not present in population databases (gnomAD no frequency). This variant has not been reported in the literature in individuals affected with CASR-related conditions. ClinVar contains an entry for this variant (Variation ID: 655833). Algorithms developed to predict the effect of missense changes on protein structure and function are either unavailable or do not agree on the potential impact of this missense change (SIFT: "Deleterious"; PolyPhen-2: "Benign"; Align-GVGD: "Class C15"). In summary, the available evidence is currently insufficient to determine the role of this variant in disease. Therefore, it has been classified as a Variant of Uncertain Significance.

NM_000388.4(CASR):c.926A>C (p.Gln309Pro)

Gene: CASR (calcium sensing receptor; plus strand). Cytogenetic location: 3q21.1.
Variant type: single nucleotide variant.
Coding change: c.926A>C on transcript NM_000388.4 (MANE Select); coding-DNA position 926, A replaced by C.
Protein change: p.Gln309Pro; replaces glutamine 309 with proline.
Molecular consequence: missense variant.
Genome position (GRCh38, 1-based): chr3:122,261,961, A>C. VCF-style: chr3-122261961-A-C. GRCh37 (hg19) VCF-style: chr3-121980808-A-C.
Other names: c.926A>C, p.Gln309Pro (NM_001178065.2); short protein forms Q309P.
Identifiers: ClinVar variation 655833 (VCV000655833.10), dbSNP rs1576858741, ClinGen allele CA354151649.